The following is an entry in ClinVar:

NM_022773.4(LMF1):c.1530G>A (p.Arg510=)

Gene: LMF1 (lipase maturation factor 1; minus strand). Cytogenetic location: 16p13.3.
Variant type: single nucleotide variant.
Coding change: c.1530G>A on transcript NM_022773.4 (MANE Select); coding-DNA position 1530, G replaced by A.
Protein change: p.Arg510=; no amino-acid change (arginine 510 retained).
Molecular consequence: synonymous variant. On other transcripts: missense variant (1), non-coding transcript variant (1).
Genome position (GRCh38, 1-based): chr16:854,706, C>T on the plus strand (G>A on the coding strand, the complement: LMF1 is on the minus strand). VCF-style: chr16-854706-C-T. GRCh37 (hg19) VCF-style: chr16-904706-C-T.
Other names: p.Arg510=; c.879G>A, p.Arg293= (NM_001352017.2, NM_001352021.2); c.1131G>A, p.Arg377= (NM_001352018.2); c.1203G>A, p.Arg401= (NM_001352019.2); c.1450G>A, p.Val484Met (NM_001352020.1); short protein forms V484M.
Identifiers: ClinVar variation 1422003 (VCV001422003.9), dbSNP rs200676184, ClinGen allele CA7796888.
Genomic context (GRCh38, chr16:854,706, plus strand): 5'-GGCGGCGTGCCTGCCCCCAGGACGGCTGAACTTGTACCTGTAGTGCTCTCCTCGGACCCA[C>T]CTGCAAGGGGGCACATGTCAGCCCAGGGCCTGCTGGGACTCCCGGCCCCCGACCCGGCTC-3'
Protein context (NP_073610.2, residues 500-520): HNPFAGRPPP[Arg510=]WVRGEHYRYK

ClinVar aggregate classification (germline): Uncertain significance. Review status: criteria provided, multiple submitters, no conflicts (2 of 4 stars). 3 submissions from 3 submitters: Uncertain significance (2). 1 of the submissions does not count toward it. Last evaluated 2025-12-24.

Conditions:
LMF1-related disorder. Also called: LMF1-related condition.

Allele frequency attached by ClinVar (database versions not stated): ExAC 0.00013; ESP Exome Variant Server 0.00016; 1000 Genomes Project 0.00020; 1000 Genomes Project 30x 0.00031; gnomAD 0.00039 and 0.00043; TOPMed 0.00052.
gnomAD v4.1: 118 of 1,585,434 alleles (0.0074%); highest among the groups gnomAD compares: African/African-American, 0.15%; no homozygotes.

Submissions (3):

Labcorp Genetics (formerly Invitae), Labcorp
Classification: Uncertain significance. Last evaluated: 2025-12-24. Review status: criteria provided, single submitter. Criteria: Invitae Variant Classification Sherloc (09022015). Collection method: clinical testing. Allele origin: germline.
Comment: This sequence change affects codon 510 of the LMF1 mRNA. It is a 'silent' change, meaning that it does not change the encoded amino acid sequence of the LMF1 protein. It affects a nucleotide within the consensus splice site. This variant is present in population databases (rs200676184, gnomAD 0.2%). This variant has been observed in individual(s) with LMF1-related conditions (PMID: 36325899). ClinVar contains an entry for this variant (Variation ID: 1422003). Algorithms developed to predict the effect of sequence changes on RNA splicing suggest that this variant is not likely to affect RNA splicing. In summary, the available evidence is currently insufficient to determine the role of this variant in disease. Therefore, it has been classified as a Variant of Uncertain Significance.

Mayo Clinic Laboratories, Mayo Clinic
Classification: Uncertain significance. Last evaluated: 2024-05-01. Review status: criteria provided, single submitter. Criteria: ACMG Guidelines, 2015. Collection method: clinical testing. Allele origin: germline. Observed: 1 variant allele.
Comment: BS1

PreventionGenetics, part of Exact Sciences
Classification: Uncertain significance for LMF1-related condition. Last evaluated: 2023-12-07. Review status: no assertion criteria provided. Collection method: clinical testing. Allele origin: germline. Not counted in ClinVar's aggregate classification.
Comment: The LMF1 c.1450G>A variant is predicted to result in the amino acid substitution p.Val484Met. To our knowledge, this variant has not been reported in the literature. This variant is reported in 0.16% of alleles in individuals of African descent in gnomAD. Although we suspect that this variant may be benign, at this time, the clinical significance of this variant is uncertain due to the absence of conclusive functional and genetic evidence.

Literature cited by the submitters: PubMed 36325899 (cited by Labcorp Genetics (formerly Invitae), Labcorp and Mayo Clinic Laboratories, Mayo Clinic).